The following is an entry in ClinVar:

NM_053025.4(MYLK):c.3781G>A (p.Val1261Met)

Gene: MYLK (myosin light chain kinase; minus strand). Cytogenetic location: 3q21.1.
Variant type: single nucleotide variant.
Coding change: c.3781G>A on transcript NM_053025.4 (MANE Select); coding-DNA position 3781, G replaced by A.
Protein change: p.Val1261Met; replaces valine 1261 with methionine.
Molecular consequence: missense variant.
Genome position (GRCh38, 1-based): chr3:123,666,269, C>T on the plus strand (G>A on the coding strand, the complement: MYLK is on the minus strand). VCF-style: chr3-123666269-C-T. GRCh37 (hg19) VCF-style: chr3-123385116-C-T.
Other names: c.3253G>A, p.Val1085Met (NM_001321309.2); c.3574G>A, p.Val1192Met (NM_053026.4, NM_053028.4); c.3781G>A, p.Val1261Met (NM_053027.4); short protein forms V1261M, V1192M, V1085M.
Identifiers: ClinVar variation 2064774 (VCV002064774.4), dbSNP rs780094038, ClinGen allele CA070198.
Genomic context (GRCh38, chr3:123,666,269, plus strand): 5'-CGTCACTGACCTGCTTTCGGAACTTCATCCAGGTACAGGTGATGGGCTGAGTGCCTGTCA[C>T]TTTGCCAAACAGCTCCACTGACTCTCCTGCGCGTACCTTCTGGTCCTCAGGGAACTGGAT-3'
Protein context (NP_444253.3, residues 1251-1271): AGESVELFGK[Val1261Met]TGTQPITCTW

ClinVar aggregate classification (germline): Uncertain significance (1 of 4 stars; one submission).

Conditions:
Aortic aneurysm, familial thoracic 7 (AAT7). Also called: AORTIC DISSECTION, FAMILIAL, WITH OR WITHOUT AORTIC ANEURYSM. Identifiers: MedGen C3151077, MONDO:0013418, OMIM 613780.

Allele frequency attached by ClinVar (database versions not stated): TOPMed 0.00001; gnomAD exomes 0.00002; ExAC 0.00003.
gnomAD v4.1: 23 of 1,614,218 alleles (0.0014%); highest among the groups gnomAD compares: South Asian, 0.014%; 1 homozygote.

Submission:

Labcorp Genetics (formerly Invitae), Labcorp
Classification: Uncertain significance for Aortic aneurysm, familial thoracic 7. Last evaluated: 2024-08-20. Review status: criteria provided, single submitter. Criteria: Invitae Variant Classification Sherloc (09022015). Collection method: clinical testing. Allele origin: germline.
Comment: This sequence change replaces valine, which is neutral and non-polar, with methionine, which is neutral and non-polar, at codon 1261 of the MYLK protein (p.Val1261Met). This variant is present in population databases (rs780094038, gnomAD 0.01%). This variant has not been reported in the literature in individuals affected with MYLK-related conditions. ClinVar contains an entry for this variant (Variation ID: 2064774). Invitae Evidence Modeling of protein sequence and biophysical properties (such as structural, functional, and spatial information, amino acid conservation, physicochemical variation, residue mobility, and thermodynamic stability) indicates that this missense variant is not expected to disrupt MYLK protein function with a negative predictive value of 80%. In summary, the available evidence is currently insufficient to determine the role of this variant in disease. Therefore, it has been classified as a Variant of Uncertain Significance.